The following is an entry in ClinVar:

NM_006946.4(SPTBN2):c.92C>T (p.Ser31Leu)

Gene: SPTBN2 (spectrin beta, non-erythrocytic 2; minus strand). Cytogenetic location: 11q13.2.
Variant type: single nucleotide variant.
Coding change: c.92C>T on transcript NM_006946.4 (MANE Select); coding-DNA position 92, C replaced by T.
Protein change: p.Ser31Leu; replaces serine 31 with leucine.
Molecular consequence: missense variant.
Genome position (GRCh38, 1-based): chr11:66,721,149, G>A on the plus strand (C>T on the coding strand, the complement: SPTBN2 is on the minus strand). VCF-style: chr11-66721149-G-A. GRCh37 (hg19) VCF-style: chr11-66488620-G-A.
Other names: short protein forms S31L.
Identifiers: ClinVar variation 448526 (VCV000448526.21), dbSNP rs147766428, ClinGen allele CA6129776.

ClinVar aggregate classification (germline): Conflicting classifications of pathogenicity. Review status: criteria provided, conflicting classifications (1 of 4 stars). 9 submissions from 9 submitters: Uncertain significance (4); Benign (1); Likely benign (4). Last evaluated 2026-01-12.

Conditions:
SPTBN2-related disorder. Also called: SPTBN2-related condition.
Inborn genetic diseases. Identifiers: MedGen C0950123, MeSH D030342.
Autosomal recessive spinocerebellar ataxia 14. Also called: CEREBELLAR ATAXIA, AUTOSOMAL RECESSIVE, SPECTRIN-ASSOCIATED, 1. Identifiers: Orphanet 352403, MedGen C4706415, MONDO:0014159, OMIM 615386.
Spinocerebellar ataxia type 5 (SCA5). Identifiers: Orphanet 98766, MedGen C0752123, MONDO:0010848, OMIM 600224.

Allele frequency attached by ClinVar (database versions not stated): gnomAD exomes 0.00052 and 0.00096; gnomAD 0.00054 and 0.00056; ExAC 0.00058; TOPMed 0.00059; ESP Exome Variant Server 0.00115.
gnomAD v4.1: 1,473 of 1,614,140 alleles (0.091%); highest among the groups gnomAD compares: Non-Finnish European, 0.11%; 4 homozygotes.

Submissions (9):

Labcorp Genetics (formerly Invitae), Labcorp
Classification: Likely benign. Last evaluated: 2026-01-12. Review status: criteria provided, single submitter. Criteria: Invitae Variant Classification Sherloc (09022015). Collection method: clinical testing. Allele origin: germline.

PreventionGenetics, part of Exact Sciences
Classification: Likely benign for SPTBN2-related condition. Last evaluated: 2025-08-22. Review status: criteria provided, single submitter. Criteria: ACMG Guidelines, 2015. Collection method: clinical testing. Allele origin: germline.
Comment: This variant is classified as likely benign based on ACMG/AMP sequence variant interpretation guidelines (Richards et al. 2015 PMID: 25741868, with internal and published modifications).

GeneDx
Classification: Uncertain significance. Last evaluated: 2025-07-09. Review status: criteria provided, single submitter. Criteria: GeneDx Variant Classification Process June 2021. Collection method: clinical testing. Allele origin: germline.
Comment: In silico analysis suggests that this missense variant does not alter protein structure/function; This variant is associated with the following publications: (PMID: 26257771, 31819260, 28440294)

Women's Health and Genetics/Laboratory Corporation of America, LabCorp
Classification: Likely benign. Last evaluated: 2025-06-27. Review status: criteria provided, single submitter. Criteria: LabCorp Variant Classification Summary - May 2015. Collection method: clinical testing. Allele origin: germline.
Comment: Variant summary: SPTBN2 c.92C>T (p.Ser31Leu) results in a non-conservative amino acid change in the encoded protein sequence. Algorithms developed to predict the effect of missense changes on protein structure and function are either unavailable or do not agree on the potential impact of this missense change. The variant allele was found at a frequency of 0.00091 in 1614140 control chromosomes in the gnomAD database, including 4 homozygotes. This frequency is not significantly higher than estimated for a pathogenic variant in SPTBN2 causing Spinocerebellar Ataxia 5, allowing no conclusion about variant significance. To our knowledge, no occurrence of c.92C>T in individuals affected with Spinocerebellar Ataxia 5 and no experimental evidence demonstrating its impact on protein function have been reported. ClinVar contains an entry for this variant (Variation ID: 448526). Based on the evidence outlined above, the variant was classified as likely benign.

Athena Diagnostics
Classification: Benign. Last evaluated: 2024-04-29. Review status: criteria provided, single submitter. Criteria: Athena Diagnostics Criteria. Collection method: clinical testing. Allele origin: unknown.

Ambry Genetics
Classification: Uncertain significance for Inborn genetic diseases. Last evaluated: 2022-02-15. Review status: criteria provided, single submitter. Criteria: Ambry Variant Classification Scheme 2023. Collection method: clinical testing. Allele origin: germline.
Comment: Unlikely to be causative of SPTBN2-related spinocerebellar ataxia (AD) Based on insufficient or conflicting evidence, the clinical significance of this alteration remains unclear.

Laboratorio de Genetica e Diagnostico Molecular, Hospital Israelita Albert Einstein
Classification: Uncertain significance for Spinocerebellar ataxia type 5; Autosomal recessive spinocerebellar ataxia 14. Last evaluated: 2021-08-27. Review status: criteria provided, single submitter. Criteria: ACMG Guidelines, 2015. Collection method: clinical testing. Allele origin: germline. Affected: yes.
Comment: ACMG classification criteria: BP4 supporting

Department of Pathology and Laboratory Medicine, Sinai Health System
Classification: Likely benign for Spinocerebellar ataxia type 5; Autosomal recessive spinocerebellar ataxia 14. Last evaluated: 2021-07-30. Review status: criteria provided, single submitter. Criteria: ACMG Guidelines, 2015. Collection method: research. Allele origin: germline.

CeGaT Center for Human Genetics Tuebingen
Classification: Uncertain significance. Last evaluated: 2017-10-31. Review status: criteria provided, single submitter. Criteria: Praxis fuer Humangenetik Tuebingen - Variant Classification Criteria. Collection method: clinical testing. Allele origin: germline. Affected: yes. Observed: 2 variant alleles.

Literature cited by the submitters: PubMed 28440294 (cited by Athena Diagnostics); PubMed 31819260 (cited by Athena Diagnostics); PubMed 26257771 (cited by Athena Diagnostics).